The following is an entry in ClinVar:

NM_000384.3(APOB):c.6467T>C (p.Ile2156Thr)

Gene: APOB (apolipoprotein B; minus strand). Cytogenetic location: 2p24.1.
Variant type: single nucleotide variant.
Coding change: c.6467T>C on transcript NM_000384.3 (MANE Select); coding-DNA position 6467, T replaced by C.
Protein change: p.Ile2156Thr; replaces isoleucine 2156 with threonine.
Molecular consequence: missense variant.
Genome position (GRCh38, 1-based): chr2:21,010,401, A>G on the plus strand (T>C on the coding strand, the complement: APOB is on the minus strand). VCF-style: chr2-21010401-A-G. GRCh37 (hg19) VCF-style: chr2-21233273-A-G.
Other names: short protein forms I2156T.
Identifiers: ClinVar variation 925952 (VCV000925952.6), dbSNP rs1232529396, ClinGen allele CA346001691.

ClinVar aggregate classification (germline): Uncertain significance. Review status: criteria provided, multiple submitters, no conflicts (2 of 4 stars). 2 submissions from 2 submitters: Uncertain significance (2). Last evaluated 2024-12-02.

Conditions:
Cardiovascular phenotype. Identifiers: MedGen CN230736.

Allele frequency attached by ClinVar (database versions not stated): gnomAD 0.00001; TOPMed 0.00001.
gnomAD v4.1: 13 of 1,595,368 alleles (0.00081%); highest among the groups gnomAD compares: African/African-American, 0.004%; 1 homozygote.

Submissions (2):

GeneDx
Classification: Uncertain significance. Last evaluated: 2024-12-02. Review status: criteria provided, single submitter. Criteria: GeneDx Variant Classification Process June 2021. Collection method: clinical testing. Allele origin: germline. Affected: yes.
Comment: Has not been previously published as pathogenic or benign to our knowledge; Not observed at significant frequency in large population cohorts (gnomAD); In silico analysis indicates that this missense variant does not alter protein structure/function

Ambry Genetics
Classification: Uncertain significance for Cardiovascular phenotype. Last evaluated: 2021-04-19. Review status: criteria provided, single submitter. Criteria: Ambry Variant Classification Scheme 2023. Collection method: clinical testing. Allele origin: germline.
Comment: The p.I2156T variant (also known as c.6467T>C), located in coding exon 26 of the APOB gene, results from a T to C substitution at nucleotide position 6467. The isoleucine at codon 2156 is replaced by threonine, an amino acid with similar properties. This amino acid position is poorly conserved in available vertebrate species. In addition, this alteration is predicted to be tolerated by in silico analysis. Since supporting evidence is limited at this time, the clinical significance of this alteration remains unclear.